The following is an entry in ClinVar:

ClinVar aggregate classification (germline): Pathogenic (1 of 4 stars; one submission).

Submission:

GeneDx
Classification: Pathogenic. Last evaluated: 2020-03-11. Review status: criteria provided, single submitter. Criteria: GeneDx Variant Classification Process June 2021. Collection method: clinical testing. Allele origin: germline. Affected: yes.
Comment: Frameshift variant predicted to result in protein truncation or nonsense mediated decay in a gene for which loss-of-function is a known mechanism of disease; Not observed in large population cohorts (Lek et al., 2016); Has not been previously published as pathogenic or benign to our knowledge

NM_013275.6(ANKRD11):c.7114dup (p.Arg2372fs)

Gene: ANKRD11 (ankyrin repeat domain containing 11; minus strand). Cytogenetic location: 16q24.3.
Variant type: Duplication.
Coding change: c.7114dup on transcript NM_013275.6 (MANE Select); coding-DNA position 7114, one base duplicated (C; older notation c.7114dupC).
Protein change: p.Arg2372fs; shifts the reading frame from arginine 2372.
Molecular consequence: frameshift variant.
Genome position (GRCh38, 1-based): chr16:89,279,428, G duplicated on the plus strand (C on the coding strand, the reverse complement: ANKRD11 is on the minus strand); the first of 3 consecutive G bases (chr16:89,279,428-89,279,430); duplicating any one gives the same sequence. VCF-style (leftmost placement, unchanged base first): chr16-89279427-C-CG. GRCh37 (hg19) VCF-style: chr16-89345835-C-CG.
Other names: c.7114dup, p.Arg2372fs (NM_001256182.2, NM_001256183.2); c.7114dupC (NM_013275.5); short protein forms R2372fs.
Identifiers: ClinVar variation 817353 (VCV000817353.2), dbSNP rs1597433156, ClinGen allele CA915949407.
Genomic context (GRCh38, chr16:89,279,427, plus strand): 5'-GAGCGCTGAAAGCGGCGTTTGCGCGGATGCTGGGCCTGGGCGTCGTCGTCCTCGGAGCCG[C>CG]GGGCCTTGGCCCTGGTGACCGGGGCAGGGGTGGGGGCGCACTCCTTCTCGGAGGGGGGCG-3'